The following is an entry in ClinVar:

NM_024700.4(SNIP1):c.1165G>A (p.Glu389Lys)

Gene: SNIP1 (Smad nuclear interacting protein 1; minus strand). Cytogenetic location: 1p34.3.
Variant type: single nucleotide variant.
Coding change: c.1165G>A on transcript NM_024700.4 (MANE Select); coding-DNA position 1165, G replaced by A.
Protein change: p.Glu389Lys; replaces glutamic acid 389 with lysine.
Molecular consequence: missense variant.
Genome position (GRCh38, 1-based): chr1:37,537,774, C>T on the plus strand (G>A on the coding strand, the complement: SNIP1 is on the minus strand). VCF-style: chr1-37537774-C-T. GRCh37 (hg19) VCF-style: chr1-38003375-C-T.
Other names: short protein forms E389K.
Identifiers: ClinVar variation 4753649 (VCV004753649.1).
Genomic context (GRCh38, chr1:37,537,774, plus strand): 5'-AAACCGTGTATCAATAGTTTGGGTTCTTAGTTTGCTAGCTGTCAGACACTTCTTCCTCCT[C>T]CTCCTCATCCTCGTCATCTTTCCTGTCTATTTCAGAAGTGTCCGACGACTCATGGAGCAA-3'
Protein context (NP_078976.2, residues 379-396): IDRKDDEDEE[Glu389Lys]EEEVSDS

ClinVar aggregate classification (germline): Uncertain significance (1 of 4 stars; one submission).

gnomAD v4.1: 4 of 1,614,038 alleles (0.00025%); highest among the groups gnomAD compares: Admixed American, 0.0033%; no homozygotes.

Submission:

Labcorp Genetics (formerly Invitae), Labcorp
Classification: Uncertain significance. Last evaluated: 2025-07-18. Review status: criteria provided, single submitter. Criteria: Invitae Variant Classification Sherloc (09022015). Collection method: clinical testing. Allele origin: germline.
Comment: This sequence change replaces glutamic acid, which is acidic and polar, with lysine, which is basic and polar, at codon 389 of the SNIP1 protein (p.Glu389Lys). This variant is present in population databases (no rsID available, gnomAD 0.003%). This variant has not been reported in the literature in individuals affected with SNIP1-related conditions. An algorithm developed to predict the effect of missense changes on protein structure and function (PolyPhen-2) suggests that this variant is likely to be disruptive. In summary, the available evidence is currently insufficient to determine the role of this variant in disease. Therefore, it has been classified as a Variant of Uncertain Significance.